The following is an entry in ClinVar:

ClinVar aggregate classification (germline): Uncertain significance (1 of 4 stars; one submission).

gnomAD v4.1: 5 of 1,614,116 alleles (0.00031%); highest among the groups gnomAD compares: Admixed American, 0.0017%; no homozygotes.

Submission:

Labcorp Genetics (formerly Invitae), Labcorp
Classification: Uncertain significance. Last evaluated: 2024-07-30. Review status: criteria provided, single submitter. Criteria: Invitae Variant Classification Sherloc (09022015). Collection method: clinical testing. Allele origin: germline.
Comment: This sequence change replaces aspartic acid, which is acidic and polar, with tyrosine, which is neutral and polar, at codon 77 of the GSN protein (p.Asp77Tyr). This variant is present in population databases (rs752677417, gnomAD 0.003%). This variant has not been reported in the literature in individuals affected with GSN-related conditions. An algorithm developed to predict the effect of missense changes on protein structure and function (PolyPhen-2) suggests that this variant is likely to be disruptive. In summary, the available evidence is currently insufficient to determine the role of this variant in disease. Therefore, it has been classified as a Variant of Uncertain Significance.

NM_198252.3(GSN):c.76G>T (p.Asp26Tyr)

Gene: GSN (gelsolin; plus strand). Cytogenetic location: 9q33.2.
Variant type: single nucleotide variant.
Coding change: c.76G>T on transcript NM_198252.3 (MANE Select); coding-DNA position 76, G replaced by T.
Protein change: p.Asp26Tyr; replaces aspartic acid 26 with tyrosine.
Molecular consequence: missense variant. On other transcripts: intron variant (1).
Genome position (GRCh38, 1-based): chr9:121,302,047, G>T. VCF-style: chr9-121302047-G-T. GRCh37 (hg19) VCF-style: chr9-124064325-G-T.
Other names: c.229G>T, p.Asp77Tyr (NM_000177.5); c.76G>T, p.Asp26Tyr (NM_001127662.2, NM_001127664.2, NM_001127665.2 and 10 more transcripts); c.184G>T, p.Asp62Tyr (NM_001127663.2); c.109G>T, p.Asp37Tyr (NM_001127666.2, NM_001127667.2, NM_001353063.2 and 13 more transcripts); c.127G>T, p.Asp43Tyr (NM_001258029.2); c.100G>T, p.Asp34Tyr (NM_001258030.2); c.148G>T, p.Asp50Tyr (NM_001353076.2); c.-458-864G>T (NM_001353078.2); short protein forms D26Y, D43Y, D77Y, D34Y, D37Y, D50Y, D62Y.
Identifiers: ClinVar variation 3646366 (VCV003646366.2).